The following is an entry in ClinVar:

ClinVar aggregate classification (germline): Likely pathogenic. Review status: criteria provided, multiple submitters, no conflicts (2 of 4 stars). 2 submissions from 2 submitters: Likely pathogenic (2). Last evaluated 2024-12-11.

Conditions:
Meester-Loeys syndrome. Also called: X-linked severe syndromic thoracic aortic aneurysm and dissection. Identifiers: Orphanet 622925, MedGen C4310811, MONDO:0010515, OMIM 300989.

Allele frequency attached by ClinVar (database versions not stated): gnomAD exomes 0.00001.
gnomAD v4.1: 6 of 1,210,971 alleles (0.0005%); highest among the groups gnomAD compares: Non-Finnish European, 0.00067%; no homozygotes.

Submissions (2):

Labcorp Genetics (formerly Invitae), Labcorp
Classification: Likely pathogenic. Last evaluated: 2024-12-11. Review status: criteria provided, single submitter. Criteria: Invitae Variant Classification Sherloc (09022015). Collection method: clinical testing. Allele origin: germline.
Comment: This sequence change affects a donor splice site in intron 6 of the BGN gene. It is expected to disrupt RNA splicing. Variants that disrupt the donor or acceptor splice site typically lead to a loss of protein function (PMID: 16199547), and loss-of-function variants in BGN are known to be pathogenic (PMID: 17502576, 27632686). This variant is present in population databases (no rsID available, gnomAD 0.001%). This variant has not been reported in the literature in individuals affected with BGN-related conditions. ClinVar contains an entry for this variant (Variation ID: 1395584). Algorithms developed to predict the effect of sequence changes on RNA splicing suggest that this variant may disrupt the consensus splice site. In summary, the currently available evidence indicates that the variant is pathogenic, but additional data are needed to prove that conclusively. Therefore, this variant has been classified as Likely Pathogenic.

Centre of Medical Genetics, University of Antwerp
Classification: Likely pathogenic for Meester-Loeys syndrome. Last evaluated: 2023-10-20. Review status: criteria provided, single submitter. Criteria: ACMG Guidelines, 2015. Collection method: research. Allele origin: maternal. Affected: yes.

Literature cited by the submitters: PubMed 16199547 (cited by Labcorp Genetics (formerly Invitae), Labcorp); PubMed 17502576 (cited by Labcorp Genetics (formerly Invitae), Labcorp); PubMed 27632686 (cited by Labcorp Genetics (formerly Invitae), Labcorp).

NM_001711.6(BGN):c.770+1G>A

Gene: BGN (biglycan; plus strand). Cytogenetic location: Xq28.
Variant type: single nucleotide variant.
Coding change: c.770+1G>A on transcript NM_001711.6 (MANE Select); the canonical splice donor site of the intron after coding-DNA position 770, G replaced by A.
Molecular consequence: splice donor variant.
Genome position (GRCh38, 1-based): chrX:153,506,924, G>A. VCF-style: chrX-153506924-G-A. GRCh37 (hg19) VCF-style: chrX-152772382-G-A.
Identifiers: ClinVar variation 1395584 (VCV001395584.9), dbSNP rs1556993331, ClinGen allele CA415071293.
Genomic context (GRCh38, chrX:153,506,924, plus strand): 5'-CCACAACAAAATCCAGGCCATCGAACTGGAGGACCTGCTTCGCTACTCCAAGCTGTACAG[G>A]TGAGGCCAGCAGGGCACCGCCCAAGGGTGATGCCAGAGTCCCTCAGTGCTGTGTGGCCCC-3'